The following is an entry in ClinVar:

NM_015378.4(VPS13D):c.11765C>T (p.Ala3922Val)

Gene: VPS13D (vacuolar protein sorting 13 homolog D; plus strand). Cytogenetic location: 1p36.22.
Variant type: single nucleotide variant.
Coding change: c.11765C>T on transcript NM_015378.4 (MANE Select); coding-DNA position 11765, C replaced by T.
Protein change: p.Ala3922Val; replaces alanine 3922 with valine.
Molecular consequence: missense variant.
Genome position (GRCh38, 1-based): chr1:12,400,311, C>T. VCF-style: chr1-12400311-C-T. GRCh37 (hg19) VCF-style: chr1-12460368-C-T.
Other names: p.Ala3922Val; c.11690C>T, p.Ala3897Val (NM_018156.4); short protein forms A3897V, A3922V.
Identifiers: ClinVar variation 4540759 (VCV004540759.1).

ClinVar aggregate classification (germline): Uncertain significance (1 of 4 stars; one submission).

gnomAD v4.1: 1 of 1,614,128 alleles (0.000062%); highest among the groups gnomAD compares: Non-Finnish European, 0.000085%; no homozygotes.

Submission:

Mayo Clinic Laboratories, Mayo Clinic
Classification: Uncertain significance. Last evaluated: 2025-10-08. Review status: criteria provided, single submitter. Criteria: ACMG Guidelines, 2015. Collection method: clinical testing. Allele origin: germline. Observed: 1 variant allele.
Comment: BP4_moderate, PM2_supporting